The following is an entry in ClinVar:

ClinVar aggregate classification (germline): Uncertain significance. Review status: criteria provided, multiple submitters, no conflicts (2 of 4 stars). 3 submissions from 3 submitters: Uncertain significance (3). Last evaluated 2023-04-27.

Conditions:
Congenital myasthenic syndrome 9. Also called: Myasthenic syndrome, congenital, 9, associated with acetylcholine receptor deficiency. Identifiers: Orphanet 590, MedGen C4225368, MONDO:0014587, OMIM 616325.
Fetal akinesia deformation sequence 1 (FADS1). Also called: Fetal akinesia sequence; Pena-Shokeir syndrome type I. Identifiers: Orphanet 994, MedGen C1276035, MONDO:0100101, OMIM 208150, HP:0001989.

Allele frequency attached by ClinVar (database versions not stated): TOPMed 0.00002; gnomAD exomes 0.00005 and 0.00001; gnomAD 0.00001.
gnomAD v4.1: 79 of 1,565,224 alleles (0.005%); highest among the groups gnomAD compares: Non-Finnish European, 0.0066%; no homozygotes.

Submissions (3):

Revvity Omics, Revvity
Classification: Uncertain significance. Last evaluated: 2023-04-27. Review status: criteria provided, single submitter. Criteria: ACMG Guidelines, 2015. Collection method: clinical testing. Allele origin: germline.

Labcorp Genetics (formerly Invitae), Labcorp
Classification: Uncertain significance for Congenital myasthenic syndrome 9; Fetal akinesia deformation sequence 1. Last evaluated: 2022-08-16. Review status: criteria provided, single submitter. Criteria: Invitae Variant Classification Sherloc (09022015). Collection method: clinical testing. Allele origin: germline.
Comment: This sequence change replaces lysine, which is basic and polar, with methionine, which is neutral and non-polar, at codon 156 of the MUSK protein (p.Lys156Met). The frequency data for this variant in the population databases is considered unreliable, as metrics indicate poor data quality at this position in the gnomAD database. This variant has not been reported in the literature in individuals affected with MUSK-related conditions. ClinVar contains an entry for this variant (Variation ID: 651473). Advanced modeling of protein sequence and biophysical properties (such as structural, functional, and spatial information, amino acid conservation, physicochemical variation, residue mobility, and thermodynamic stability) performed at Invitae indicates that this missense variant is expected to disrupt MUSK protein function. In summary, the available evidence is currently insufficient to determine the role of this variant in disease. Therefore, it has been classified as a Variant of Uncertain Significance.

Illumina Laboratory Services, Illumina
Classification: Uncertain significance for Congenital myasthenic syndrome 9. Last evaluated: 2018-01-12. Review status: criteria provided, single submitter. Criteria: ICSL Variant Classification Criteria 13 December 2019. Collection method: clinical testing. Allele origin: germline.

NM_005592.4(MUSK):c.467A>T (p.Lys156Met)

Gene: MUSK (muscle associated receptor tyrosine kinase; plus strand). Cytogenetic location: 9q31.3.
Variant type: single nucleotide variant.
Coding change: c.467A>T on transcript NM_005592.4 (MANE Select); coding-DNA position 467, A replaced by T.
Protein change: p.Lys156Met; replaces lysine 156 with methionine.
Molecular consequence: missense variant.
Genome position (GRCh38, 1-based): chr9:110,695,511, A>T. VCF-style: chr9-110695511-A-T. GRCh37 (hg19) VCF-style: chr9-113457791-A-T.
Other names: c.467A>T, p.Lys156Met (NM_001166280.2, NM_001166281.2); short protein forms K156M.
Identifiers: ClinVar variation 651473 (VCV000651473.11), dbSNP rs1048310820, ClinGen allele CA198339783.